The following is an entry in ClinVar:

ClinVar aggregate classification (germline): Uncertain significance (1 of 4 stars; one submission).

Conditions:
Accelerated tumor formation, susceptibility to (ACTFS). Identifiers: MedGen C3280690, OMIM 614401, MONDO:0013733.

Submission:

Labcorp Genetics (formerly Invitae), Labcorp
Classification: Uncertain significance for Accelerated tumor formation, susceptibility to. Last evaluated: 2025-06-10. Review status: criteria provided, single submitter. Criteria: Invitae Variant Classification Sherloc (09022015). Collection method: clinical testing. Allele origin: germline.
Comment: This sequence change creates a premature translational stop signal (p.Glu429Argfs*16) in the MDM2 gene. While this is not anticipated to result in nonsense mediated decay, it is expected to disrupt the last 69 amino acid(s) of the MDM2 protein. This variant is not present in population databases (gnomAD no frequency). This variant has not been reported in the literature in individuals affected with MDM2-related conditions. ClinVar contains an entry for this variant (Variation ID: 2920098). Experimental studies and prediction algorithms are not available or were not evaluated, and the functional significance of this variant is currently unknown. In summary, the available evidence is currently insufficient to determine the role of this variant in disease. Therefore, it has been classified as a Variant of Uncertain Significance.

NM_002392.6(MDM2):c.1284_1287del (p.Glu429fs)

Gene: MDM2 (MDM2 proto-oncogene; plus strand). Cytogenetic location: 12q15.
Variant type: Deletion.
Coding change: c.1284_1287del on transcript NM_002392.6 (MANE Select); coding-DNA positions 1284 to 1287, 4 bases deleted (AGAA; older notation c.1284_1287delAGAA).
Protein change: p.Glu429fs; shifts the reading frame from glutamic acid 429.
Molecular consequence: frameshift variant.
Genome position (GRCh38, 1-based): chr12:68,839,639-68,839,642, AGAA deleted; deleting any 4 consecutive bases within chr12:68,839,637-68,839,642 gives the same sequence; the c. name uses the placement nearest the transcript's 3' end. VCF-style (leftmost placement, unchanged base first): chr12-68839636-CAAAG-C. GRCh37 (hg19) VCF-style: chr12-69233416-CAAAG-C.
Other names: c.1125_1128del, p.Glu376fs (NM_001145337.3); c.1119_1122del, p.Glu374fs (NM_001145339.2); c.678_681del, p.Glu227fs (NM_001145340.3); c.756_759del, p.Glu253fs (NM_001278462.2); c.1266_1269del, p.Glu423fs (NM_001367990.1); short protein forms E374fs, E253fs, E376fs, E227fs, E423fs, E429fs.
Identifiers: ClinVar variation 2920098 (VCV002920098.3), dbSNP rs2499257812, ClinGen allele CA2739272157.